The following is an entry in ClinVar:

NM_024101.7(MLPH):c.487G>A (p.Asp163Asn)

Gene: MLPH (melanophilin; plus strand). Cytogenetic location: 2q37.3.
Variant type: single nucleotide variant.
Coding change: c.487G>A on transcript NM_024101.7 (MANE Select); coding-DNA position 487, G replaced by A.
Protein change: p.Asp163Asn; replaces aspartic acid 163 with asparagine.
Molecular consequence: missense variant. On other transcripts: non-coding transcript variant (1).
Genome position (GRCh38, 1-based): chr2:237,518,580, G>A. VCF-style: chr2-237518580-G-A. GRCh37 (hg19) VCF-style: chr2-238427223-G-A.
Other names: c.487G>A, p.Asp163Asn (NM_001042467.3, NM_001281473.2, NM_001281474.2); c.487G>A (NM_024101.6); short protein forms D163N.
Identifiers: ClinVar variation 1284306 (VCV001284306.10), dbSNP rs3751108, ClinGen allele CA2190235.

ClinVar aggregate classification (germline): Benign/Likely benign. Review status: criteria provided, multiple submitters, no conflicts (2 of 4 stars). 6 submissions from 6 submitters: Benign (2); Likely benign (2). 2 of the submissions do not count toward it. Last evaluated 2025-02-12.

Conditions:
MLPH-related disorder. Also called: MLPH-related condition.

Allele frequency attached by ClinVar (database versions not stated): ESP Exome Variant Server 0.00023; gnomAD 0.00044 and 0.00066; TOPMed 0.00073; gnomAD exomes 0.00089 and 0.00120; ExAC 0.00144; 1000 Genomes Project 30x 0.00265; 1000 Genomes Project 0.00319.
gnomAD v4.1: 1,376 of 1,613,852 alleles (0.085%); highest among the groups gnomAD compares: East Asian, 2.7%; 30 homozygotes.

Submissions (6):

PreventionGenetics, part of Exact Sciences
Classification: Benign for MLPH-related condition. Last evaluated: 2025-02-12. Review status: criteria provided, single submitter. Criteria: ACMG Guidelines, 2015. Collection method: clinical testing. Allele origin: germline.
Comment: This variant is classified as benign based on ACMG/AMP sequence variant interpretation guidelines (Richards et al. 2015 PMID: 25741868, with internal and published modifications).

Blueprint Genetics
Classification: Likely benign. Last evaluated: 2024-10-11. Review status: criteria provided, single submitter. Criteria: ACMG Guidelines, 2015. Collection method: clinical testing. Allele origin: germline.

Labcorp Genetics (formerly Invitae), Labcorp
Classification: Benign. Last evaluated: 2024-06-03. Review status: criteria provided, single submitter. Criteria: Invitae Variant Classification Sherloc (09022015). Collection method: clinical testing. Allele origin: germline.

Breakthrough Genomics
Classification: Likely benign. Review status: criteria provided, single submitter. Criteria: ACMG Guidelines, 2015. Collection method: not provided. Allele origin: germline. Inheritance: Autosomal recessive inheritance. Affected: yes.

Clinical Genetics, Academic Medical Center
Classification: Benign. Review status: no assertion criteria provided. Collection method: clinical testing. Allele origin: germline. Affected: yes. Study: VKGL Data-share Consensus. Not counted in ClinVar's aggregate classification.

Genome Diagnostics Laboratory, University Medical Center Utrecht
Classification: Likely benign. Review status: no assertion criteria provided. Collection method: clinical testing. Allele origin: germline. Affected: yes. Study: VKGL Data-share Consensus. Not counted in ClinVar's aggregate classification.